The following is an entry in ClinVar:

ClinVar aggregate classification (germline): Uncertain significance. Review status: criteria provided, multiple submitters, no conflicts (2 of 4 stars). 2 submissions from 2 submitters: Uncertain significance (2). Last evaluated 2025-10-11.

Allele frequency attached by ClinVar (database versions not stated): gnomAD 0.00002; ExAC 0.00003; gnomAD exomes 0.00004 and 0.00019; TOPMed 0.00005.
gnomAD v4.1: 275 of 1,613,914 alleles (0.017%); highest among the groups gnomAD compares: Non-Finnish European, 0.023%; no homozygotes.

Submissions (2):

Labcorp Genetics (formerly Invitae), Labcorp
Classification: Uncertain significance. Last evaluated: 2025-10-11. Review status: criteria provided, single submitter. Criteria: Invitae Variant Classification Sherloc (09022015). Collection method: clinical testing. Allele origin: germline.
Comment: This sequence change replaces serine, which is neutral and polar, with glycine, which is neutral and non-polar, at codon 902 of the GUCY2C protein (p.Ser902Gly). This variant is present in population databases (rs774990385, gnomAD 0.008%). This variant has not been reported in the literature in individuals affected with GUCY2C-related conditions. ClinVar contains an entry for this variant (Variation ID: 1423185). Invitae Evidence Modeling of protein sequence and biophysical properties (such as structural, functional, and spatial information, amino acid conservation, physicochemical variation, residue mobility, and thermodynamic stability) indicates that this missense variant is not expected to disrupt GUCY2C protein function with a negative predictive value of 80%. In summary, the available evidence is currently insufficient to determine the role of this variant in disease. Therefore, it has been classified as a Variant of Uncertain Significance.

Breakthrough Genomics
Classification: Uncertain significance. Review status: criteria provided, single submitter. Criteria: ACMG Guidelines, 2015. Collection method: not provided. Allele origin: germline. Inheritance: Autosomal recessive inheritance. Affected: yes.

NM_004963.4(GUCY2C):c.2704A>G (p.Ser902Gly)

Gene: GUCY2C (guanylate cyclase 2C; minus strand). Cytogenetic location: 12p12.3.
Variant type: single nucleotide variant.
Coding change: c.2704A>G on transcript NM_004963.4 (MANE Select); coding-DNA position 2704, A replaced by G.
Protein change: p.Ser902Gly; replaces serine 902 with glycine.
Molecular consequence: missense variant.
Genome position (GRCh38, 1-based): chr12:14,621,114, T>C on the plus strand (A>G on the coding strand, the complement: GUCY2C is on the minus strand). VCF-style: chr12-14621114-T-C. GRCh37 (hg19) VCF-style: chr12-14774048-T-C.
Other names: short protein forms S902G.
Identifiers: ClinVar variation 1423185 (VCV001423185.9), dbSNP rs774990385, ClinGen allele CA6463010.